The following is an entry in ClinVar:

NM_001365536.1(SCN9A):c.2712G>A (p.Thr904=)

Genes: SCN1A-AS1 (SCN1A and SCN9A antisense RNA 1; plus strand), SCN9A (sodium voltage-gated channel alpha subunit 9; minus strand). Cytogenetic location: 2q24.3.
Variant type: single nucleotide variant.
Coding change: c.2712G>A on transcript NM_001365536.1 (MANE Select); coding-DNA position 2712, G replaced by A.
Protein change: p.Thr904=; no amino-acid change (threonine 904 retained).
Molecular consequence: synonymous variant. On other transcripts: non-coding transcript variant (1).
Genome position (GRCh38, 1-based): chr2:166,277,145, C>T on the plus strand (G>A on the coding strand, the complement: SCN9A is on the minus strand). VCF-style: chr2-166277145-C-T. GRCh37 (hg19) VCF-style: chr2-167133655-C-T.
Other names: c.2679G>A, p.Thr893= (NM_002977.4).
Identifiers: ClinVar variation 392443 (VCV000392443.29), dbSNP rs200494981, ClinGen allele CA1944215.

ClinVar aggregate classification (germline): Likely benign. Review status: criteria provided, multiple submitters, no conflicts (2 of 4 stars). 6 submissions from 6 submitters: Likely benign (6). Last evaluated 2025-01-01.

Conditions:
Neuropathy, hereditary sensory and autonomic, type 2A (HSAN2A). Also called: WNK1-Related HSAN2 (HSAN2A); ACROOSTEOLYSIS, GIACCAI TYPE; ACROOSTEOLYSIS, NEUROGENIC; NEUROPATHY, CONGENITAL SENSORY; NEUROPATHY, HEREDITARY SENSORY RADICULAR, AUTOSOMAL RECESSIVE; NEUROPATHY, HEREDITARY SENSORY, TYPE IIA. Identifiers: Orphanet 970, MedGen C2752089, MONDO:0024309, OMIM 201300.
Generalized epilepsy with febrile seizures plus, type 7 (GEFSP7). Also called: GEFS+, TYPE 7. Identifiers: Orphanet 36387, MedGen C2751778, MONDO:0013470, OMIM 613863.
Inborn genetic diseases. Identifiers: MedGen C0950123, MeSH D030342.

Allele frequency attached by ClinVar (database versions not stated): gnomAD 0.00001; TOPMed 0.00001; gnomAD exomes 0.00003 and 0.00007.
gnomAD v4.1: 55 of 1,613,878 alleles (0.0034%); highest among the groups gnomAD compares: South Asian, 0.026%; no homozygotes.

Submissions (6):

CeGaT Center for Human Genetics Tuebingen
Classification: Likely benign. Last evaluated: 2025-01-01. Review status: criteria provided, single submitter. Criteria: CeGaT Center For Human Genetics Tuebingen Variant Classification Criteria Version 2. Collection method: clinical testing. Allele origin: germline. Affected: yes. Observed: 1 variant allele.
Comment: SCN9A: BP4, BP7

Blueprint Genetics
Classification: Likely benign. Last evaluated: 2024-06-10. Review status: criteria provided, single submitter. Criteria: ACMG Guidelines, 2015. Collection method: clinical testing. Allele origin: germline.

Labcorp Genetics (formerly Invitae), Labcorp
Classification: Likely benign for Neuropathy, hereditary sensory and autonomic, type 2A; Generalized epilepsy with febrile seizures plus, type 7. Last evaluated: 2024-03-12. Review status: criteria provided, single submitter. Criteria: Invitae Variant Classification Sherloc (09022015). Collection method: clinical testing. Allele origin: germline.

Ambry Genetics
Classification: Likely benign for Inborn genetic diseases. Last evaluated: 2019-07-11. Review status: criteria provided, single submitter. Criteria: Ambry Variant Classification Scheme 2023. Collection method: clinical testing. Allele origin: germline.

GeneDx
Classification: Likely benign. Last evaluated: 2017-01-05. Review status: criteria provided, single submitter. Criteria: GeneDx Variant Classification (06012015). Collection method: clinical testing. Allele origin: germline. Affected: yes.
Comment: This variant is considered likely benign or benign based on one or more of the following criteria: it is a conservative change, it occurs at a poorly conserved position in the protein, it is predicted to be benign by multiple in silico algorithms, and/or has population frequency not consistent with disease.

Breakthrough Genomics
Classification: Likely benign. Review status: criteria provided, single submitter. Criteria: ACMG Guidelines, 2015. Collection method: not provided. Allele origin: germline. Inheritance: Autosomal recessive inheritance. Affected: yes.